The following is an entry in ClinVar:

ClinVar aggregate classification (germline): Pathogenic (1 of 4 stars; one submission).

Submission:

Labcorp Genetics (formerly Invitae), Labcorp
Classification: Pathogenic. Last evaluated: 2022-10-27. Review status: criteria provided, single submitter. Criteria: Invitae Variant Classification Sherloc (09022015). Collection method: clinical testing. Allele origin: unknown.
Comment: For these reasons, this variant has been classified as Pathogenic. This variant has not been reported in the literature in individuals affected with SPTBN2-related conditions. This variant is a gross deletion of the genomic region encompassing exon(s) 13-14 of the SPTBN2 gene. This deletion is out-of-frame, and is expected to create a premature termination codon and result in an absent or disrupted protein product. Loss-of-function variants in SPTBN2 are known to be pathogenic (PMID: 28636205).

Literature cited by the submitters: PubMed 28636205.

NC_000011.9:g.(?_66472049)_(66473328_?)del

Gene: SPTBN2 (spectrin beta, non-erythrocytic 2; minus strand). Cytogenetic location: 11q13.2.
Variant type: Deletion.
Identifiers: ClinVar variation 3244770 (VCV003244770.1).